The following is an entry in ClinVar:

ClinVar aggregate classification (germline): Uncertain significance (1 of 4 stars; one submission).

Submission:

GeneDx
Classification: Uncertain significance. Last evaluated: 2025-05-14. Review status: criteria provided, single submitter. Criteria: GeneDx Variant Classification Process June 2021. Collection method: clinical testing. Allele origin: germline.
Comment: Not observed at significant frequency in large population cohorts (gnomAD); In silico analysis supports that this missense variant has a deleterious effect on protein structure/function; Has not been previously published as pathogenic or benign to our knowledge

NM_001111.5(ADAR):c.2290G>T (p.Val764Phe)

Gene: ADAR (adenosine deaminase RNA specific; minus strand). Cytogenetic location: 1q21.3.
Variant type: single nucleotide variant.
Coding change: c.2290G>T on transcript NM_001111.5 (MANE Select); coding-DNA position 2290, G replaced by T.
Protein change: p.Val764Phe; replaces valine 764 with phenylalanine.
Molecular consequence: missense variant.
Genome position (GRCh38, 1-based): chr1:154,590,390, C>A on the plus strand (G>T on the coding strand, the complement: ADAR is on the minus strand). VCF-style: chr1-154590390-C-A. GRCh37 (hg19) VCF-style: chr1-154562866-C-A.
Other names: c.1405G>T, p.Val469Phe (NM_001025107.3, NM_001193495.2, NM_001365046.1 and 3 more transcripts); c.2317G>T, p.Val773Phe (NM_001365045.1); c.2290G>T, p.Val764Phe (NM_015840.4); c.2233G>T, p.Val745Phe (NM_015841.4); short protein forms V469F, V745F, V764F, V773F.
Identifiers: ClinVar variation 1800729 (VCV001800729.2), dbSNP rs2526525385, ClinGen allele CA342637577.